The following is an entry in ClinVar:

ClinVar aggregate classification (germline): Uncertain significance (1 of 4 stars; one submission).

Allele frequency attached by ClinVar (database versions not stated): ExAC 0.00001; gnomAD 0.00001; gnomAD exomes 0.00001; TOPMed 0.00002; ESP Exome Variant Server 0.00008.
gnomAD v4.1: 17 of 1,614,042 alleles (0.0011%); highest among the groups gnomAD compares: Middle Eastern, 0.016%; no homozygotes.

Submission:

Labcorp Genetics (formerly Invitae), Labcorp
Classification: Uncertain significance. Last evaluated: 2022-09-09. Review status: criteria provided, single submitter. Criteria: Invitae Variant Classification Sherloc (09022015). Collection method: clinical testing. Allele origin: germline.
Comment: This variant is present in population databases (rs372327810, gnomAD 0.005%). In summary, the available evidence is currently insufficient to determine the role of this variant in disease. Therefore, it has been classified as a Variant of Uncertain Significance. Advanced modeling of protein sequence and biophysical properties (such as structural, functional, and spatial information, amino acid conservation, physicochemical variation, residue mobility, and thermodynamic stability) performed at Invitae indicates that this missense variant is not expected to disrupt RHOBTB2 protein function. This variant has not been reported in the literature in individuals affected with RHOBTB2-related conditions. This sequence change replaces arginine, which is basic and polar, with glutamine, which is neutral and polar, at codon 717 of the RHOBTB2 protein (p.Arg717Gln).

NM_015178.3(RHOBTB2):c.2084G>A (p.Arg695Gln)

Gene: RHOBTB2 (Rho related BTB domain containing 2; plus strand). Cytogenetic location: 8p21.3.
Variant type: single nucleotide variant.
Coding change: c.2084G>A on transcript NM_015178.3 (MANE Select); coding-DNA position 2084, G replaced by A.
Protein change: p.Arg695Gln; replaces arginine 695 with glutamine.
Molecular consequence: missense variant.
Genome position (GRCh38, 1-based): chr8:23,017,369, G>A. VCF-style: chr8-23017369-G-A. GRCh37 (hg19) VCF-style: chr8-22874882-G-A.
Other names: c.2150G>A, p.Arg717Gln (NM_001160036.2); c.2105G>A, p.Arg702Gln (NM_001160037.2); c.2084G>A, p.Arg695Gln (NM_001374791.1); short protein forms R695Q, R702Q, R717Q.
Identifiers: ClinVar variation 2178921 (VCV002178921.4), dbSNP rs372327810, ClinGen allele CA4672856.